The following is an entry in ClinVar:

NM_001103.4(ACTN2):c.2377G>A (p.Glu793Lys)

Gene: ACTN2 (actinin alpha 2; plus strand). Cytogenetic location: 1q43.
Variant type: single nucleotide variant.
Coding change: c.2377G>A on transcript NM_001103.4 (MANE Select); coding-DNA position 2377, G replaced by A.
Protein change: p.Glu793Lys; replaces glutamic acid 793 with lysine.
Molecular consequence: missense variant.
Genome position (GRCh38, 1-based): chr1:236,761,024, G>A. VCF-style: chr1-236761024-G-A. GRCh37 (hg19) VCF-style: chr1-236924324-G-A.
Other names: p.E793K:GAA>AAA; c.2377G>A, p.Glu793Lys (NM_001278343.2); c.1753G>A, p.Glu585Lys (NM_001278344.2); short protein forms E793K, E585K.
Identifiers: ClinVar variation 201648 (VCV000201648.14), dbSNP rs145450474, ClinGen allele CA335045.
Genomic context (GRCh38, chr1:236,761,024, plus strand): 5'-TTGAGAGTTGTGTACCGTTCGTGTACATGTTTCTTTGCCACTTTGCCCCAGGGTGAAGCC[G>A]AATTTGCCCGCATTATGACCCTGGTAGATCCCAACGGGCAAGGCACCGTCACCTTCCAAT-3'
Protein context (NP_001094.1, residues 783-803): ISMGYDLGEA[Glu793Lys]FARIMTLVDP

ClinVar aggregate classification (germline): Uncertain significance. Review status: criteria provided, multiple submitters, no conflicts (2 of 4 stars). 5 submissions from 5 submitters: Uncertain significance (5). Last evaluated 2025-08-29.

Conditions:
Cardiovascular phenotype. Identifiers: MedGen CN230736.
Primary familial hypertrophic cardiomyopathy (HCM). Identifiers: Orphanet 99739, MedGen C0949658, MeSH D024741, MONDO:0024573. Inheritance: Various modes of inheritance.
Dilated cardiomyopathy 1AA (CMD1AA). Also called: CARDIOMYOPATHY, DILATED, 1AA, WITH OR WITHOUT LEFT VENTRICULAR NONCOMPACTION; CARDIOMYOPATHY, FAMILIAL HYPERTROPHIC, 23, WITH OR WITHOUT LEFT VENTRICULAR NONCOMPACTION; Cardiomyopathy, dilated, 1AA, with or without LVNC. Identifiers: Orphanet 154, MedGen C2677338, MONDO:0012808, OMIM 612158.

Allele frequency attached by ClinVar (database versions not stated): gnomAD exomes below 0.00001; gnomAD 0.00002; TOPMed 0.00003; ESP Exome Variant Server 0.00015.
gnomAD v4.1: 6 of 1,614,058 alleles (0.00037%); highest among the groups gnomAD compares: African/African-American, 0.0027%; no homozygotes.

Submissions (5):

Labcorp Genetics (formerly Invitae), Labcorp
Classification: Uncertain significance for Primary familial hypertrophic cardiomyopathy; Dilated cardiomyopathy 1AA. Last evaluated: 2025-08-29. Review status: criteria provided, single submitter. Criteria: Invitae Variant Classification Sherloc (09022015). Collection method: clinical testing. Allele origin: germline.
Comment: This sequence change replaces glutamic acid, which is acidic and polar, with lysine, which is basic and polar, at codon 793 of the ACTN2 protein (p.Glu793Lys). This variant is not present in population databases (gnomAD no frequency). This variant has not been reported in the literature in individuals affected with ACTN2-related conditions. ClinVar contains an entry for this variant (Variation ID: 201648). Invitae Evidence Modeling of protein sequence and biophysical properties (such as structural, functional, and spatial information, amino acid conservation, physicochemical variation, residue mobility, and thermodynamic stability) indicates that this missense variant is expected to disrupt ACTN2 protein function with a positive predictive value of 95%. In summary, the available evidence is currently insufficient to determine the role of this variant in disease. Therefore, it has been classified as a Variant of Uncertain Significance.

Ambry Genetics
Classification: Uncertain significance for Cardiovascular phenotype. Last evaluated: 2024-02-06. Review status: criteria provided, single submitter. Criteria: Ambry Variant Classification Scheme 2023. Collection method: clinical testing. Allele origin: germline.
Comment: The p.E793K variant (also known as c.2377G>A), located in coding exon 20 of the ACTN2 gene, results from a G to A substitution at nucleotide position 2377. The glutamic acid at codon 793 is replaced by lysine, an amino acid with similar properties. This amino acid position is highly conserved in available vertebrate species. In addition, this alteration is predicted to be deleterious by in silico analysis. Since supporting evidence is limited at this time, the clinical significance of this alteration remains unclear.

Blueprint Genetics
Classification: Uncertain significance. Last evaluated: 2022-07-29. Review status: criteria provided, single submitter. Criteria: ACMG Guidelines, 2015. Collection method: clinical testing. Allele origin: germline.

AiLife Diagnostics
Classification: Uncertain significance. Last evaluated: 2021-10-11. Review status: criteria provided, single submitter. Criteria: ACMG Guidelines, 2015. Collection method: clinical testing. Allele origin: germline. Affected: yes. Observed: 1 variant allele.

GeneDx
Classification: Uncertain significance. Last evaluated: 2014-05-24. Review status: criteria provided, single submitter. Criteria: GeneDx Variant Classification (06012015). Collection method: clinical testing. Allele origin: germline. Affected: yes.
Comment: A variant of unknown significance has been identified in the ACTN2 gene. The E793K variant has not been published as a mutation or as a benign polymorphism to our knowledge. The E793K variant was not observed with any significant frequency in approximately 6,500 individuals of European and African American ancestry in the NHLBI Exome Sequencing Project. In addition, the E793K variant is a non-conservative amino acid substitution, which is likely to impact secondary protein structure as these residues differ in polarity, charge, size and/or other properties. This substitution occurs at a position that is conserved across species. Furthermore, in silico analysis predicts this variant is probably damaging to the protein structure/function. However, no missense mutations in nearby residues have been reported in association with DCM, indicating this region of the protein may be tolerant of change. Therefore, based on the currently available information, it is unclear whether this variant is a pathogenic mutation or a rare benign variant. The variant is found in CARDIOMYOPATHY panel(s).